The following is an entry in ClinVar:

NM_004006.3(DMD):c.2767T>C (p.Ser923Pro)

Gene: DMD (dystrophin; minus strand). Cytogenetic location: Xp21.1.
Variant type: single nucleotide variant.
Coding change: c.2767T>C on transcript NM_004006.3 (MANE Select); coding-DNA position 2767, T replaced by C.
Protein change: p.Ser923Pro; replaces serine 923 with proline.
Molecular consequence: missense variant.
Genome position (GRCh38, 1-based): chrX:32,484,955, A>G on the plus strand (T>C on the coding strand, the complement: DMD is on the minus strand). VCF-style: chrX-32484955-A-G. GRCh37 (hg19) VCF-style: chrX-32503072-A-G.
Other names: c.2743T>C, p.Ser915Pro (NM_000109.4); c.2755T>C, p.Ser919Pro (NM_004009.3); c.2398T>C, p.Ser800Pro (NM_004010.3); short protein forms S915P, S919P, S923P, S800P.
Identifiers: ClinVar variation 3006399 (VCV003006399.3), dbSNP rs2524912361, ClinGen allele CA412670710.
Genomic context (GRCh38, chrX:32,484,955, plus strand): 5'-AGCCATTTTAGGCTTTTTACTTACTTGTCTGTAGCTCTTTCTCTCTGGCCTGCACATCAG[A>G]AAAGACTTGCTTAAAATGATTTGTAAAGGCCACAAAGTCTGCATCCAGGAACATGGGTCC-3'
Protein context (NP_003997.2, residues 913-933): AFTNHFKQVF[Ser923Pro]DVQAREKELQ

ClinVar aggregate classification (germline): Uncertain significance (1 of 4 stars; one submission).

Conditions:
Duchenne muscular dystrophy (DMD). Also called: MUSCULAR DYSTROPHY, PSEUDOHYPERTROPHIC PROGRESSIVE, DUCHENNE TYPE; Duchenne Muscular Dystrophy (DMD). Identifiers: Orphanet 98896, MedGen C0013264, MONDO:0010679, OMIM 310200.

Allele frequency attached by ClinVar (database versions not stated): gnomAD exomes below 0.00001.
gnomAD v4.1: 1 of 1,211,649 alleles (0.000083%); highest among the groups gnomAD compares: Non-Finnish European, 0.00011%; no homozygotes.

Submission:

Labcorp Genetics (formerly Invitae), Labcorp
Classification: Uncertain significance for Duchenne muscular dystrophy. Last evaluated: 2024-10-29. Review status: criteria provided, single submitter. Criteria: Invitae Variant Classification Sherloc (09022015). Collection method: clinical testing. Allele origin: germline.
Comment: This sequence change replaces serine, which is neutral and polar, with proline, which is neutral and non-polar, at codon 923 of the DMD protein (p.Ser923Pro). This variant is not present in population databases (gnomAD no frequency). This variant has not been reported in the literature in individuals affected with DMD-related conditions. Invitae Evidence Modeling of protein sequence and biophysical properties (such as structural, functional, and spatial information, amino acid conservation, physicochemical variation, residue mobility, and thermodynamic stability) indicates that this missense variant is not expected to disrupt DMD protein function with a negative predictive value of 95%. In summary, the available evidence is currently insufficient to determine the role of this variant in disease. Therefore, it has been classified as a Variant of Uncertain Significance.